The following is an entry in ClinVar:

ClinVar aggregate classification (germline): Conflicting classifications of pathogenicity. Review status: criteria provided, conflicting classifications (1 of 4 stars). 6 submissions from 6 submitters: Uncertain significance (5); Likely benign (1). Last evaluated 2025-12-18.

Conditions:
Aortic aneurysm, familial thoracic 4 (AAT4). Also called: AORTIC ANEURYSM/AORTIC DISSECTION AND PATENT DUCTUS ARTERIOSUS. Identifiers: MedGen C1851504, MONDO:0007568, OMIM 132900.
Familial thoracic aortic aneurysm and aortic dissection (TAAD). Also called: Thoracic aortic aneurysms and dissections. Identifiers: Orphanet 91387, MedGen C4707243, MONDO:0019625.

Allele frequency attached by ClinVar (database versions not stated): gnomAD 0.00001; TOPMed 0.00003; gnomAD exomes 0.00005; ExAC 0.00007; ESP Exome Variant Server 0.00008.
gnomAD v4.1: 75 of 1,614,096 alleles (0.0046%); highest among the groups gnomAD compares: Non-Finnish European, 0.006%; no homozygotes.

Submissions (6):

Color Diagnostics, LLC DBA Color Health
Classification: Uncertain significance for Familial thoracic aortic aneurysm and aortic dissection. Last evaluated: 2025-12-18. Review status: criteria provided, single submitter. Criteria: ACMG Guidelines, 2015. Collection method: clinical testing. Allele origin: germline.
Comment: This missense variant replaces glutamic acid with lysine at codon 1364 of the MYH11 protein. Computational prediction tools indicate that this variant has a deleterious impact on protein structure and function. To our knowledge, functional studies have not been reported for this variant. This variant has been observed in one individual affected with aortopathy (PMID: 27611364). This variant has been identified in 75/1614096 chromosomes in the general population by the Genome Aggregation Database (gnomAD). The available evidence is insufficient to determine the role of this variant in disease conclusively. Therefore, this variant is classified as a Variant of Uncertain Significance.

Labcorp Genetics (formerly Invitae), Labcorp
Classification: Uncertain significance for Aortic aneurysm, familial thoracic 4. Last evaluated: 2025-11-16. Review status: criteria provided, single submitter. Criteria: Invitae Variant Classification Sherloc (09022015). Collection method: clinical testing. Allele origin: germline.
Comment: This sequence change replaces glutamic acid, which is acidic and polar, with lysine, which is basic and polar, at codon 1364 of the MYH11 protein (p.Glu1364Lys). This variant is present in population databases (rs141184241, gnomAD 0.01%). This missense change has been observed in individual(s) with MYH11-related condition (PMID: 27611364). ClinVar contains an entry for this variant (Variation ID: 519956). Invitae Evidence Modeling of protein sequence and biophysical properties (such as structural, functional, and spatial information, amino acid conservation, physicochemical variation, residue mobility, and thermodynamic stability) indicates that this missense variant is not expected to disrupt MYH11 protein function with a negative predictive value of 95%. In summary, the available evidence is currently insufficient to determine the role of this variant in disease. Therefore, it has been classified as a Variant of Uncertain Significance.

Women's Health and Genetics/Laboratory Corporation of America, LabCorp
Classification: Likely benign. Last evaluated: 2025-07-07. Review status: criteria provided, single submitter. Criteria: LabCorp Variant Classification Summary - May 2015. Collection method: clinical testing. Allele origin: germline.
Comment: Variant summary: MYH11 c.4090G>A (p.Glu1364Lys) results in a conservative amino acid change located in the Myosin tail domain (IPR002928) of the encoded protein sequence. Algorithms developed to predict the effect of missense changes on protein structure and function are either unavailable or do not agree on the potential impact of this missense change. The variant allele was found at a frequency of 5.2e-05 in 250896 control chromosomes. The observed variant frequency is approximately 41.45 fold of the estimated maximal expected allele frequency for a pathogenic variant in MYH11 causing Aortopathy phenotype (1.3e-06). c.4090G>A has been observed in an individual affected with Aortopathy (Yang_2016); however, the authors classified the variant as benign based on family segregation analysis. These report(s) do not provide unequivocal conclusions about association of the variant with Aortopathy. To our knowledge, no experimental evidence demonstrating an impact on protein function has been reported. The following publication have been ascertained in the context of this evaluation (PMID: 27611364). ClinVar contains an entry for this variant (Variation ID: 519956). Based on the evidence outlined above, the variant was classified as likely benign.

Ambry Genetics
Classification: Uncertain significance for Familial thoracic aortic aneurysm and aortic dissection. Last evaluated: 2024-11-14. Review status: criteria provided, single submitter. Criteria: Ambry Variant Classification Scheme 2023. Collection method: clinical testing. Allele origin: germline.
Comment: The p.E1357K variant (also known as c.4069G>A), located in coding exon 29 of the MYH11 gene, results from a G to A substitution at nucleotide position 4069. The glutamic acid at codon 1357 is replaced by lysine, an amino acid with similar properties, and is located in the coiled coil domain. This amino acid position is highly conserved in available vertebrate species. In addition, the in silico prediction for this alteration is inconclusive. Since supporting evidence is limited at this time, the clinical significance of this alteration remains unclear.

All of Us Research Program, National Institutes of Health
Classification: Uncertain significance for Familial thoracic aortic aneurysm and aortic dissection. Last evaluated: 2024-08-30. Review status: criteria provided, single submitter. Criteria: ACMG Guidelines, 2015. Collection method: clinical testing. Allele origin: germline. Inheritance: Autosomal dominant inheritance. Observed: 9 variant alleles, 9 heterozygotes.
Comment: This missense variant replaces glutamic acid with lysine at codon 1364 of the MYH11 protein. Computational prediction suggests that this variant may have deleterious impact on protein structure and function (internally defined REVEL score threshold >= 0.7, PMID: 27666373). To our knowledge, functional studies have not been reported for this variant. This variant has been observed in an individual affected with aortopathy (PMID: 27611364). This study has reported that this variant did not segregate with disease in the proband's family but details were not described. This variant has been identified in 13/250896 chromosomes in the general population by the Genome Aggregation Database (gnomAD). The available evidence is insufficient to determine the role of this variant in disease conclusively. Therefore, this variant is classified as a Variant of Uncertain Significance.

This study involves interpretation of variants in research participants for the purpose of population health screening. Participant phenotype was not available at the time of variant classification. Additional details can be found in publication PMID: 35346344, PMCID: PMC8962531

GeneDx
Classification: Uncertain significance. Last evaluated: 2024-05-28. Review status: criteria provided, single submitter. Criteria: GeneDx Variant Classification Process June 2021. Collection method: clinical testing. Allele origin: germline. Affected: yes.
Comment: Reported among a cohort of patients with aortic disease or Marfan syndrome (PMID: 27611364); In silico analysis supports that this missense variant has a deleterious effect on protein structure/function; This variant is associated with the following publications: (PMID: 27611364)

Literature cited by the submitters: PubMed 27611364 (cited by 4 submitters).

NM_002474.3(MYH11):c.4069G>A (p.Glu1357Lys)

Genes: MYH11 (myosin heavy chain 11; minus strand), NDE1 (nudE neurodevelopment protein 1; plus strand). Cytogenetic location: 16p13.11.
Variant type: single nucleotide variant.
Coding change: c.4069G>A on transcript NM_002474.3 (MANE Select); coding-DNA position 4069, G replaced by A.
Protein change: p.Glu1357Lys; replaces glutamic acid 1357 with lysine.
Molecular consequence: missense variant. On other transcripts: 3 prime UTR variant (2).
Genome position (GRCh38, 1-based): chr16:15,724,694, C>T on the plus strand (G>A on the coding strand, the complement: MYH11 is on the minus strand). VCF-style: chr16-15724694-C-T. GRCh37 (hg19) VCF-style: chr16-15818551-C-T.
Other names: c.4090G>A, p.Glu1364Lys (NM_001040113.2, NM_001040114.2); c.4069G>A, p.Glu1357Lys (NM_022844.3); c.*443C>T (NM_001143979.2, NM_017668.3); short protein forms E1357K, E1364K.
Identifiers: ClinVar variation 519956 (VCV000519956.27), dbSNP rs141184241, ClinGen allele CA7921795.